The following is an entry in ClinVar:

ClinVar aggregate classification (germline): Uncertain significance. Review status: criteria provided, multiple submitters, no conflicts (2 of 4 stars). 2 submissions from 2 submitters: Uncertain significance (2). Last evaluated 2023-08-04.

Submissions (2):

Labcorp Genetics (formerly Invitae), Labcorp
Classification: Uncertain significance. Last evaluated: 2023-08-04. Review status: criteria provided, single submitter. Criteria: Invitae Variant Classification Sherloc (09022015). Collection method: clinical testing. Allele origin: germline.
Comment: In summary, the available evidence is currently insufficient to determine the role of this variant in disease. Therefore, it has been classified as a Variant of Uncertain Significance. An algorithm developed to predict the effect of missense changes on protein structure and function (PolyPhen-2) suggests that this variant is likely to be disruptive. ClinVar contains an entry for this variant (Variation ID: 1309656). This missense change has been observed in individuals with nystagmus (PMID: 31106028; Invitae). This variant is not present in population databases (gnomAD no frequency). This sequence change replaces methionine, which is neutral and non-polar, with valine, which is neutral and non-polar, at codon 258 of the FRMD7 protein (p.Met258Val).

GeneDx
Classification: Uncertain significance. Last evaluated: 2021-04-14. Review status: criteria provided, single submitter. Criteria: GeneDx Variant Classification Process June 2021. Collection method: clinical testing. Allele origin: germline. Affected: yes.
Comment: Not observed in large population cohorts (Lek et al., 2016); In silico analysis supports that this missense variant has a deleterious effect on protein structure/function; This variant is associated with the following publications: (PMID: 31106028)

Literature cited by the submitters: PubMed 31106028 (cited by Labcorp Genetics (formerly Invitae), Labcorp).

NM_194277.3(FRMD7):c.772A>G (p.Met258Val)

Gene: FRMD7 (FERM domain containing 7; minus strand). Cytogenetic location: Xq26.2.
Variant type: single nucleotide variant.
Coding change: c.772A>G on transcript NM_194277.3 (MANE Select); coding-DNA position 772, A replaced by G.
Protein change: p.Met258Val; replaces methionine 258 with valine.
Molecular consequence: missense variant.
Genome position (GRCh38, 1-based): chrX:132,082,496, T>C on the plus strand (A>G on the coding strand, the complement: FRMD7 is on the minus strand). VCF-style: chrX-132082496-T-C. GRCh37 (hg19) VCF-style: chrX-131216524-T-C.
Other names: c.727A>G, p.Met243Val (NM_001306193.2); short protein forms M243V, M258V.
Identifiers: ClinVar variation 1309656 (VCV001309656.8), dbSNP rs2124217595, ClinGen allele CA414680612.